The following is an entry in ClinVar:

NM_001099274.3(TINF2):c.364T>A (p.Ser122Thr)

Gene: TINF2 (TERF1 interacting nuclear factor 2; minus strand). Cytogenetic location: 14q12.
Variant type: single nucleotide variant.
Coding change: c.364T>A on transcript NM_001099274.3 (MANE Select); coding-DNA position 364, T replaced by A.
Protein change: p.Ser122Thr; replaces serine 122 with threonine.
Molecular consequence: missense variant.
Genome position (GRCh38, 1-based): chr14:24,241,710, A>T on the plus strand (T>A on the coding strand, the complement: TINF2 is on the minus strand). VCF-style: chr14-24241710-A-T. GRCh37 (hg19) VCF-style: chr14-24710916-A-T.
Other names: c.259T>A, p.Ser87Thr (NM_001363668.2); c.364T>A, p.Ser122Thr (NM_012461.3); short protein forms S122T, S87T.
Identifiers: ClinVar variation 1437994 (VCV001437994.6), dbSNP rs776604725, ClinGen allele CA7130689.

ClinVar aggregate classification (germline): Uncertain significance (1 of 4 stars; one submission).

Conditions:
Dyskeratosis congenita. Identifiers: Orphanet 1775, MedGen C0265965, MONDO:0015780.

Allele frequency attached by ClinVar (database versions not stated): gnomAD exomes below 0.00001; ExAC 0.00001; gnomAD 0.00001; TOPMed 0.00001.
gnomAD v4.1: 4 of 1,612,982 alleles (0.00025%); highest among the groups gnomAD compares: Non-Finnish European, 0.00034%; no homozygotes.

Submission:

Labcorp Genetics (formerly Invitae), Labcorp
Classification: Uncertain significance for Dyskeratosis congenita. Last evaluated: 2021-10-27. Review status: criteria provided, single submitter. Criteria: Invitae Variant Classification Sherloc (09022015). Collection method: clinical testing. Allele origin: germline.
Comment: This sequence change replaces serine, a(n) neutral and polar amino acid, with threonine, a(n) neutral and polar amino acid, at codon 122 of the TINF2 protein (p.Ser122Thr). This variant is present in population databases (rs776604725, gnomAD 0.0009%). This variant has not been reported in the literature in individuals affected with TINF2-related conditions. Algorithms developed to predict the effect of missense changes on protein structure and function (SIFT, PolyPhen-2, Align-GVGD) all suggest that this variant is likely to be tolerated. In summary, the available evidence is currently insufficient to determine the role of this variant in disease. Therefore, it has been classified as a Variant of Uncertain Significance.